The following is an entry in ClinVar:

NM_022436.3(ABCG5):c.1780G>A (p.Val594Met)

Genes: ABCG5 (ATP binding cassette subfamily G member 5; minus strand), DYNC2LI1 (dynein cytoplasmic 2 light intermediate chain 1; plus strand). Cytogenetic location: 2p21.
Variant type: single nucleotide variant.
Coding change: c.1780G>A on transcript NM_022436.3 (MANE Select); coding-DNA position 1780, G replaced by A.
Protein change: p.Val594Met; replaces valine 594 with methionine.
Molecular consequence: missense variant. On other transcripts: intron variant (2).
Genome position (GRCh38, 1-based): chr2:43,813,292, C>T on the plus strand (G>A on the coding strand, the complement: ABCG5 is on the minus strand). VCF-style: chr2-43813292-C-T. GRCh37 (hg19) VCF-style: chr2-44040431-C-T.
Other names: c.*15+2768C>T (NM_001348913.2, NM_001348912.2); short protein forms V594M.
Identifiers: ClinVar variation 3992565 (VCV003992565.1).

ClinVar aggregate classification (germline): Uncertain significance (1 of 4 stars; one submission).

Conditions:
Cardiovascular phenotype. Identifiers: MedGen CN230736.

gnomAD v4.1: 1 of 1,613,458 alleles (0.000062%); highest among the groups gnomAD compares: East Asian, 0.0022%; no homozygotes.

Submission:

Ambry Genetics
Classification: Uncertain significance for Cardiovascular phenotype. Last evaluated: 2025-05-21. Review status: criteria provided, single submitter. Criteria: Ambry Variant Classification Scheme 2023. Collection method: clinical testing. Allele origin: germline.
Comment: The p.V594M variant (also known as c.1780G>A), located in coding exon 13 of the ABCG5 gene, results from a G to A substitution at nucleotide position 1780. The valine at codon 594 is replaced by methionine, an amino acid with highly similar properties. This amino acid position is conserved. In addition, this alteration is predicted to be tolerated by in silico analysis. Based on the available evidence, the clinical significance of this variant remains unclear.